The following is an entry in ClinVar:

ClinVar aggregate classification (germline): Conflicting classifications of pathogenicity. Review status: criteria provided, conflicting classifications (1 of 4 stars). 16 submissions from 16 submitters: Uncertain significance (1); Benign (2); Likely benign (8). 5 of the submissions do not count toward it. Last evaluated 2026-10-01.

Conditions:
Auditory neuropathy, autosomal dominant 3 (AUNA3). Identifiers: MedGen C5676964, MONDO:0859235, OMIM 619832.
Arrhythmogenic right ventricular dysplasia 5. Also called: Arrhythmogenic Right Ventricular Dysplasia/Cardiomyopathy 5; ARRHYTHMOGENIC RIGHT VENTRICULAR DYSPLASIA, FAMILIAL, 5. Identifiers: MedGen C1858379, MONDO:0011459, OMIM 604400.
Emery-Dreifuss muscular dystrophy 7, autosomal dominant (EDMD7). Also called: Emery-Dreifuss muscular dystrophy 7, AD. Identifiers: Orphanet 261, MedGen C3553060, MONDO:0013677, OMIM 614302.
Cardiovascular phenotype. Identifiers: MedGen CN230736.
Cardiomyopathy (CMYO). Also called: Cardiomyopathies. Identifiers: Orphanet 167848, MedGen C0878544, MONDO:0004994, HP:0001638. Inheritance: Various modes of inheritance.

Allele frequency attached by ClinVar (database versions not stated): gnomAD exomes 0.00041; ESP Exome Variant Server 0.00069; 1000 Genomes Project 30x 0.00047; gnomAD 0.00048; ExAC 0.00035; 1000 Genomes Project 0.00040; TOPMed 0.00047.
gnomAD v4.1: 1,044 of 1,614,118 alleles (0.065%); highest among the groups gnomAD compares: Non-Finnish European, 0.079%; no homozygotes.

Submissions (16):

CeGaT Center for Human Genetics Tuebingen
Classification: Likely benign. Last evaluated: 2026-10-01. Review status: criteria provided, single submitter. Criteria: CeGaT Center For Human Genetics Tuebingen Variant Classification Criteria Version 2. Collection method: clinical testing. Allele origin: germline. Affected: yes. Observed: 7 variant alleles.
Comment: TMEM43: BP4, BS2

Molecular Diagnostic Laboratory for Inherited Cardiovascular Disease, Montreal Heart Institute
Classification: Likely benign. Last evaluated: 2026-09-21. Review status: criteria provided, single submitter. Criteria: ACMG Guidelines, 2015. Collection method: clinical testing. Allele origin: germline. Affected: no.
Comment: BS1;BP4

Labcorp Genetics (formerly Invitae), Labcorp
Classification: Likely benign for Arrhythmogenic right ventricular dysplasia 5. Last evaluated: 2026-01-27. Review status: criteria provided, single submitter. Criteria: Invitae Variant Classification Sherloc (09022015). Collection method: clinical testing. Allele origin: germline.

Mayo Clinic Laboratories, Mayo Clinic
Classification: Likely benign. Last evaluated: 2025-08-19. Review status: criteria provided, single submitter. Criteria: ACMG Guidelines, 2015. Collection method: clinical testing. Allele origin: germline. Observed: 4 variant alleles.
Comment: BS1, BP4, BP7

Blueprint Genetics
Classification: Likely benign. Last evaluated: 2024-11-11. Review status: criteria provided, single submitter. Criteria: ACMG Guidelines, 2015. Collection method: clinical testing. Allele origin: germline.

Fulgent Genetics
Classification: Likely benign for Arrhythmogenic right ventricular dysplasia 5; Emery-Dreifuss muscular dystrophy 7, autosomal dominant; Auditory neuropathy, autosomal dominant 3. Last evaluated: 2021-08-13. Review status: criteria provided, single submitter. Criteria: ACMG Guidelines, 2015. Collection method: clinical testing. Allele origin: unknown.

CHEO Genetics Diagnostic Laboratory, Children's Hospital of Eastern Ontario
Classification: Likely benign for Cardiomyopathy. Last evaluated: 2018-03-05. Review status: criteria provided, single submitter. Criteria: ACMG Guidelines, 2015. Collection method: clinical testing. Allele origin: germline.

Women's Health and Genetics/Laboratory Corporation of America, LabCorp
Classification: Benign. Last evaluated: 2017-03-13. Review status: criteria provided, single submitter. Criteria: LabCorp Variant Classification Summary - May 2015. Collection method: clinical testing. Allele origin: germline.
Comment: Variant summary: c.705+7G>A in TMEM43 gene is an intronic change that involves a non-conserved nucleotide. 5/5 programs in Alamut predict that this variant does not affect the normal splicing pattern, however no functional studies supporting this notion were published at the time of evaluation. The variant is present in the control population dataset of ExAC at a frequency of 0.000346 (42/121280 chrs tested), predominantly in individuals of European descent (0.0042; 28/66666 chrs tested). The observed frequency exceeds the maximum expected allele frequency for a pathogenic variant of 0.000025. The variant is present in a control population dataset of gnomAD at a frequency of 0.00038 (106/277038 chrs), further supporting benign outcome. The variant of interest has been reported in at least 2 ARVD individuals in published reports without sufficient evidence to rule in or rule out causality. It is cited as Likely Benign by reputable databases/clinical laboratories. Considering all, the variant was classified as Benign.

Ambry Genetics
Classification: Uncertain significance for Cardiovascular phenotype. Last evaluated: 2016-01-02. Review status: criteria provided, single submitter. Criteria: Ambry Variant Classification Scheme 2023. Collection method: clinical testing. Allele origin: germline.
Comment: The c.705+7G>A intronic alteration consists of a G to A substitution nucleotides after coding exon 8 in the TMEM43 gene. Based on insufficient or conflicting evidence, the clinical significance of this alteration remains unclear.

GeneDx
Classification: Benign. Last evaluated: 2015-07-10. Review status: criteria provided, single submitter. Criteria: GeneDx Variant Classification (06012015). Collection method: clinical testing. Allele origin: germline. Affected: yes.
Comment: This variant is considered likely benign or benign based on one or more of the following criteria: it is a conservative change, it occurs at a poorly conserved position in the protein, it is predicted to be benign by multiple in silico algorithms, and/or has population frequency not consistent with disease.

Laboratory for Molecular Medicine, Mass General Brigham Personalized Medicine
Classification: Likely benign. Last evaluated: 2015-06-05. Review status: criteria provided, single submitter. Criteria: LMM Criteria. Collection method: clinical testing. Allele origin: germline. Observed: 5 variant alleles.
Comment: c.705+7G>A in intron 8 of TMEM43: This variant is not expected to have clinical significance because it is not located within the splice consensus sequence. It has also been identified in 28/66666 European chromosomes by the Exome Aggregati on Consortium (ExAC; dbSNP rs201916031).

Clinical Genetics DNA and cytogenetics Diagnostics Lab, Erasmus MC, Erasmus Medical Center
Classification: Likely benign. Review status: no assertion criteria provided. Collection method: clinical testing. Allele origin: germline. Affected: yes. Study: VKGL Data-share Consensus. Not counted in ClinVar's aggregate classification.

Clinical Genetics, Academic Medical Center
Classification: Benign. Review status: no assertion criteria provided. Collection method: clinical testing. Allele origin: germline. Affected: yes. Study: VKGL Data-share Consensus. Not counted in ClinVar's aggregate classification.

Diagnostic Laboratory, Department of Genetics, University Medical Center Groningen
Classification: Likely benign. Review status: no assertion criteria provided. Collection method: clinical testing. Allele origin: germline. Affected: yes. Study: VKGL Data-share Consensus. Not counted in ClinVar's aggregate classification.

Genome Diagnostics Laboratory, University Medical Center Utrecht
Classification: Likely benign. Review status: no assertion criteria provided. Collection method: clinical testing. Allele origin: germline. Affected: yes. Study: VKGL Data-share Consensus. Not counted in ClinVar's aggregate classification.

Joint Genome Diagnostic Labs from Nijmegen and Maastricht, Radboudumc and MUMC+
Classification: Likely benign. Review status: no assertion criteria provided. Collection method: clinical testing. Allele origin: germline. Affected: yes. Study: VKGL Data-share Consensus. Not counted in ClinVar's aggregate classification.

Literature cited by the submitters: PubMed 21214875 (cited by 3 submitters); PubMed 23161701 (cited by Mayo Clinic Laboratories, Mayo Clinic and Women's Health and Genetics/Laboratory Corporation of America, LabCorp); PubMed 23812740 (cited by Mayo Clinic Laboratories, Mayo Clinic and Women's Health and Genetics/Laboratory Corporation of America, LabCorp); PubMed 25676813 (cited by Mayo Clinic Laboratories, Mayo Clinic and Women's Health and Genetics/Laboratory Corporation of America, LabCorp); PubMed 28471438 (cited by Mayo Clinic Laboratories, Mayo Clinic); PubMed 31402444 (cited by Mayo Clinic Laboratories, Mayo Clinic).

NM_024334.3(TMEM43):c.705+7G>A

Gene: TMEM43 (transmembrane protein 43; plus strand). Cytogenetic location: 3p25.1.
Variant type: single nucleotide variant.
Coding change: c.705+7G>A on transcript NM_024334.3 (MANE Select); 7 bases into the intron after coding-DNA position 705, G replaced by A.
Molecular consequence: intron variant.
Genome position (GRCh38, 1-based): chr3:14,134,898, G>A. VCF-style: chr3-14134898-G-A. GRCh37 (hg19) VCF-style: chr3-14176398-G-A.
Other names: p.?.
Identifiers: ClinVar variation 46152 (VCV000046152.69), dbSNP rs201916031, ClinGen allele CA024745.